The following is an entry in ClinVar:

NM_001754.5(RUNX1):c.423G>C (p.Ser141=)

Genes: RUNX1 (RUNX family transcription factor 1; minus strand), RUNX1-AS1 (RUNX1 antisense RNA 1; plus strand). Cytogenetic location: 21q22.12.
Variant type: single nucleotide variant.
Coding change: c.423G>C on transcript NM_001754.5 (MANE Select); coding-DNA position 423, G replaced by C.
Protein change: p.Ser141=; no amino-acid change (serine 141 retained).
Molecular consequence: synonymous variant.
Genome position (GRCh38, 1-based): chr21:34,880,642, C>G on the plus strand (G>C on the coding strand, the complement: RUNX1 is on the minus strand). VCF-style: chr21-34880642-C-G. GRCh37 (hg19) VCF-style: chr21-36252939-C-G.
Other names: NM_001754.5(RUNX1):c.423G>C; p.Ser141=; c.342G>C, p.Ser114= (NM_001001890.3, NM_001122607.2).
Identifiers: ClinVar variation 1537377 (VCV001537377.9), dbSNP rs745649956, ClinGen allele CA512318739.

ClinVar aggregate classification (germline): Likely benign. Review status: reviewed by expert panel (3 of 4 stars). 2 submissions from 2 submitters: Likely benign (1). 1 of the submissions does not count toward it. Last evaluated 2024-09-10.

Conditions:
Hereditary thrombocytopenia and hematologic cancer predisposition syndrome. Identifiers: Orphanet 71290, MedGen CN281654, MONDO:0011071.
Hereditary thrombocytopenia and hematological cancer predisposition syndrome associated with RUNX1. Also called: RUNX1 Familial Platelet Disorder with Associated Myeloid Malignancies; Familial Platelet Disorder with Propensity to Acute Myelogenous Leukemia; Familial thrombocytopenia with propensity to acute myelogenous leukemia; PLATELET DISORDER, ASPIRIN-LIKE. Identifiers: Orphanet 71290, MedGen C1832388, MeSH C563324, MONDO:0100083, OMIM 601399.

Submissions (2):

ClinGen Myeloid Malignancy Variant Curation Expert Panel
Classification: Likely benign for Hereditary thrombocytopenia and hematologic cancer predisposition syndrome. Last evaluated: 2024-09-10. Review status: reviewed by expert panel. Criteria: ClinGen MyeloMalig ACMG Specifications v2. Collection method: curation. Allele origin: germline. Inheritance: Autosomal dominant inheritance.
Comment: NM_001754.5(RUNX1):c.423G>C (p.Ser141=) is a synonymous variant which has a SpliceAI score ≤ 0.20 (0.0) (BP4). This variant has a SpliceAI score ≤ 0.20 (0.0) and evolutionary conservation algorithms predict the site as not being conserved (PhyloP score ≤ 2.0 (-2.29)) (BP7). This variant is completely absent from all population databases with at least 20x coverage for RUNX1 (PM2_supporting). In summary, this variant meets criteria to be classified as likely benign. ACMG/AMP criteria applied, as specified by the Myeloid Malignancy Variant Curation Expert Panel for RUNX1: BP4, BP7, PM2_supporting.

Labcorp Genetics (formerly Invitae), Labcorp
Classification: Likely benign for Hereditary thrombocytopenia and hematological cancer predisposition syndrome associated with RUNX1. Last evaluated: 2022-07-22. Review status: criteria provided, single submitter. Criteria: Invitae Variant Classification Sherloc (09022015). Collection method: clinical testing. Allele origin: germline. Not counted in ClinVar's aggregate classification.